The following is an entry in ClinVar:

NM_177438.3(DICER1):c.1288C>G (p.Pro430Ala)

Gene: DICER1 (dicer 1, ribonuclease III; minus strand). Cytogenetic location: 14q32.13.
Variant type: single nucleotide variant.
Coding change: c.1288C>G on transcript NM_177438.3 (MANE Select); coding-DNA position 1288, C replaced by G.
Protein change: p.Pro430Ala; replaces proline 430 with alanine.
Molecular consequence: missense variant.
Genome position (GRCh38, 1-based): chr14:95,124,284, G>C on the plus strand (C>G on the coding strand, the complement: DICER1 is on the minus strand). VCF-style: chr14-95124284-G-C. GRCh37 (hg19) VCF-style: chr14-95590621-G-C.
Other names: c.1288C>G, p.Pro430Ala (NM_001195573.1, NM_001271282.3, NM_001291628.2 and 1 more transcripts); short protein forms P430A.
Identifiers: ClinVar variation 412071 (VCV000412071.18), dbSNP rs1060503601, ClinGen allele CA16614273.

ClinVar aggregate classification (germline): Conflicting classifications of pathogenicity. Review status: criteria provided, conflicting classifications (1 of 4 stars). 2 submissions from 2 submitters: Uncertain significance (1); Likely benign (1). Last evaluated 2026-01-13.

Conditions:
Hereditary cancer-predisposing syndrome. Also called: Hereditary neoplastic syndrome; Neoplastic Syndromes, Hereditary; Tumor predisposition; Hereditary Cancer Syndrome. Identifiers: Orphanet 140162, MedGen C0027672, MeSH D009386, MONDO:0015356.
DICER1-related tumor predisposition. Also called: DICER1-related pleuropulmonary blastoma cancer predisposition syndrome; DICER1 syndrome. Identifiers: Orphanet 284343, MedGen C3839822, MONDO:0100216.

Allele frequency attached by ClinVar (database versions not stated): gnomAD 0.00001; TOPMed 0.00001.

Submissions (2):

Labcorp Genetics (formerly Invitae), Labcorp
Classification: Uncertain significance for DICER1-related tumor predisposition. Last evaluated: 2026-01-13. Review status: criteria provided, single submitter. Criteria: Invitae Variant Classification Sherloc (09022015). Collection method: clinical testing. Allele origin: germline.
Comment: This sequence change replaces proline, which is neutral and non-polar, with alanine, which is neutral and non-polar, at codon 430 of the DICER1 protein (p.Pro430Ala). This variant is not present in population databases (gnomAD no frequency). This variant has not been reported in the literature in individuals affected with DICER1-related conditions. ClinVar contains an entry for this variant (Variation ID: 412071). Invitae Evidence Modeling of protein sequence and biophysical properties (such as structural, functional, and spatial information, amino acid conservation, physicochemical variation, residue mobility, and thermodynamic stability) indicates that this missense variant is not expected to disrupt DICER1 protein function with a negative predictive value of 95%. In summary, the available evidence is currently insufficient to determine the role of this variant in disease. Therefore, it has been classified as a Variant of Uncertain Significance.

Ambry Genetics
Classification: Likely benign for Hereditary cancer-predisposing syndrome. Last evaluated: 2025-10-22. Review status: criteria provided, single submitter. Criteria: Ambry Variant Classification Scheme 2023. Collection method: clinical testing. Allele origin: germline.